The following is an entry in ClinVar:

ClinVar aggregate classification (germline): Uncertain significance. Review status: criteria provided, multiple submitters, no conflicts (2 of 4 stars). 2 submissions from 2 submitters: Uncertain significance (2). Last evaluated 2023-07-28.

Conditions:
Cardiovascular phenotype. Identifiers: MedGen CN230736.
Catecholaminergic polymorphic ventricular tachycardia 1. Also called: VENTRICULAR TACHYCARDIA, STRESS-INDUCED POLYMORPHIC 1; VENTRICULAR TACHYCARDIA, CATECHOLAMINERGIC POLYMORPHIC, 1, WITH OR WITHOUT ATRIAL DYSFUNCTION AND/OR DILATED CARDIOMYOPATHY; RYR2-Related Catecholaminergic Polymorphic Ventricular Tachycardia. Identifiers: Orphanet 3286, MedGen C1631597, MONDO:0011484, OMIM 604772.

Allele frequency attached by ClinVar (database versions not stated): TOPMed below 0.00001; gnomAD 0.00001.

Submissions (2):

Ambry Genetics
Classification: Uncertain significance for Cardiovascular phenotype. Last evaluated: 2023-07-28. Review status: criteria provided, single submitter. Criteria: Ambry Variant Classification Scheme 2023. Collection method: clinical testing. Allele origin: germline.
Comment: The c.320-3C>T intronic variant results from a C to T substitution 3 nucleotides upstream from coding exon 3 in the CASQ2 gene. This nucleotide position is not well conserved in available vertebrate species. In silico splice site analysis predicts that this alteration will not have any significant effect on splicing. Since supporting evidence is limited at this time, the clinical significance of this alteration remains unclear.

Labcorp Genetics (formerly Invitae), Labcorp
Classification: Uncertain significance for Catecholaminergic polymorphic ventricular tachycardia 1. Last evaluated: 2022-11-01. Review status: criteria provided, single submitter. Criteria: Invitae Variant Classification Sherloc (09022015). Collection method: clinical testing. Allele origin: germline.
Comment: This variant has not been reported in the literature in individuals affected with CASQ2-related conditions. In summary, the available evidence is currently insufficient to determine the role of this variant in disease. Therefore, it has been classified as a Variant of Uncertain Significance. Variants that disrupt the consensus splice site are a relatively common cause of aberrant splicing (PMID: 17576681, 9536098). Algorithms developed to predict the effect of sequence changes on RNA splicing suggest that this variant is not likely to affect RNA splicing. This variant is present in population databases (no rsID available, gnomAD 0.01%). This sequence change falls in intron 2 of the CASQ2 gene. It does not directly change the encoded amino acid sequence of the CASQ2 protein. It affects a nucleotide within the consensus splice site.

Literature cited by the submitters: PubMed 17576681 (cited by Labcorp Genetics (formerly Invitae), Labcorp); PubMed 9536098 (cited by Labcorp Genetics (formerly Invitae), Labcorp).

NM_001232.4(CASQ2):c.320-3C>T

Gene: CASQ2 (calsequestrin 2; minus strand). Cytogenetic location: 1p13.1.
Variant type: single nucleotide variant.
Coding change: c.320-3C>T on transcript NM_001232.4 (MANE Select); 3 bases into the intron before coding-DNA position 320, C replaced by T.
Molecular consequence: intron variant.
Genome position (GRCh38, 1-based): chr1:115,740,831, G>A on the plus strand (C>T on the coding strand, the complement: CASQ2 is on the minus strand). VCF-style: chr1-115740831-G-A. GRCh37 (hg19) VCF-style: chr1-116283452-G-A.
Other names: c.320-3C>T (NM_001232.3).
Identifiers: ClinVar variation 2200313 (VCV002200313.4), dbSNP rs1253889404, ClinGen allele CA525428708.